The following is an entry in ClinVar:

NM_004750.5(CRLF1):c.1135dup (p.Tyr379fs)

Genes: CRLF1 (cytokine receptor like factor 1; minus strand), LOC130064021 (ATAC-STARR-seq lymphoblastoid silent region 10411; plus strand). Cytogenetic location: 19p13.11.
Variant type: Duplication.
Coding change: c.1135dup on transcript NM_004750.5 (MANE Select); coding-DNA position 1135, one base duplicated (T; older notation c.1135dupT).
Protein change: p.Tyr379fs; shifts the reading frame from tyrosine 379.
Molecular consequence: frameshift variant.
Genome position (GRCh38, 1-based): chr19:18,594,324, A duplicated on the plus strand (T on the coding strand, the reverse complement: CRLF1 is on the minus strand). VCF-style (leftmost placement, unchanged base first): chr19-18594323-T-TA. GRCh37 (hg19) VCF-style: chr19-18705133-T-TA.
Other names: short protein forms Y379fs.
Identifiers: ClinVar variation 2506658 (VCV002506658.1), dbSNP rs2513384822, ClinGen allele CA2580613094.

ClinVar aggregate classification (germline): Uncertain significance (1 of 4 stars; one submission).

Submission:

GeneDx
Classification: Uncertain significance. Last evaluated: 2022-12-22. Review status: criteria provided, single submitter. Criteria: GeneDx Variant Classification Process June 2021. Collection method: clinical testing. Allele origin: germline. Affected: yes.
Comment: Not observed at significant frequency in large population cohorts (gnomAD); Frameshift variant predicted to result in protein truncation as the last 44 amino acids are replaced with 114 different amino acids, although loss-of-function variants have not been reported downstream of this position in the protein; Has not been previously published as pathogenic or benign to our knowledge